The following is an entry in ClinVar:

NM_019066.5(MAGEL2):c.630_689del (p.181HPPPPGTPMA[3])

Gene: MAGEL2 (MAGE family member L2; minus strand). Cytogenetic location: 15q11.2.
Variant type: Deletion.
Coding change: c.630_689del on transcript NM_019066.5 (MANE Select); coding-DNA positions 630 to 689, 60 bases deleted.
Protein change: p.181HPPPPGTPMA[3].
Molecular consequence: inframe deletion.
Genome position (GRCh38, 1-based): chr15:23,647,054-23,647,113, 60 bases deleted. GRCh37 (hg19): chr15:23,892,212-23,892,271.
Identifiers: ClinVar variation 2634287 (VCV002634287.23), dbSNP rs1566785198, ClinGen allele CA617084213.

ClinVar aggregate classification (germline): Uncertain significance. Review status: criteria provided, multiple submitters, no conflicts (2 of 4 stars). 2 submissions from 2 submitters: Uncertain significance (2). Last evaluated 2026-06-15.

Conditions:
MAGEL2-related disorder. Also called: MAGEL2-related condition.

Submissions (2):

PreventionGenetics, part of Exact Sciences
Classification: Uncertain significance for MAGEL2-related condition. Last evaluated: 2026-06-15. Review status: criteria provided, single submitter. Criteria: ACMG Guidelines, 2015. Collection method: clinical testing. Allele origin: germline.
Comment: The MAGEL2 c.630_689del60 variant is predicted to result in an in-frame deletion (p.His211_Ala230del). To our knowledge, this variant has not been reported in the literature. This variant is reported in 0.0094% of alleles in individuals of East Asian descent in gnomAD; however, this variant is found in a highly paralogous region of the gene and variant frequencies should be considered with caution. At this time, the clinical significance of this variant is uncertain due to the absence of conclusive functional and genetic evidence.

CeGaT Center for Human Genetics Tuebingen
Classification: Uncertain significance. Last evaluated: 2024-04-01. Review status: criteria provided, single submitter. Criteria: CeGaT Center For Human Genetics Tuebingen Variant Classification Criteria Version 2. Collection method: clinical testing. Allele origin: germline. Affected: yes. Observed: 1 variant allele.